The following is an entry in ClinVar:

ClinVar aggregate classification (germline): Conflicting classifications of pathogenicity. Review status: criteria provided, conflicting classifications (1 of 4 stars). 4 submissions from 4 submitters: Uncertain significance (1); Benign (1); Likely benign (2). Last evaluated 2026-01-06.

Conditions:
Nephrolithiasis/nephrocalcinosis. Identifiers: MedGen CN580796.
Lowe syndrome (OCRL). Also called: LOWE OCULOCEREBRORENAL SYNDROME; Oculocerebrorenal Syndrome; PHOSPHATIDYLINOSITOL 4,5-BISPHOSPHATE 5-PHOSPHATASE DEFICIENCY. Identifiers: Orphanet 534, MedGen C0028860, MONDO:0010645, OMIM 309000.

Allele frequency attached by ClinVar (database versions not stated): gnomAD exomes 0.00004 and 0.00009; ExAC 0.00009; ESP Exome Variant Server 0.00009; gnomAD 0.00032 and 0.00035; TOPMed 0.00037.
gnomAD v4.1: 83 of 1,206,819 alleles (0.0069%); highest among the groups gnomAD compares: African/African-American, 0.12%; no homozygotes.

Submissions (4):

Labcorp Genetics (formerly Invitae), Labcorp
Classification: Benign for Lowe syndrome. Last evaluated: 2026-01-06. Review status: criteria provided, single submitter. Criteria: Invitae Variant Classification Sherloc (09022015). Collection method: clinical testing. Allele origin: germline.

CeGaT Center for Human Genetics Tuebingen
Classification: Likely benign. Last evaluated: 2025-10-01. Review status: criteria provided, single submitter. Criteria: CeGaT Center For Human Genetics Tuebingen Variant Classification Criteria Version 2. Collection method: clinical testing. Allele origin: germline. Affected: yes. Observed: 1 variant allele.
Comment: OCRL: BP4, BP7, BS2

Ambry Genetics
Classification: Likely benign for Nephrolithiasis/nephrocalcinosis. Last evaluated: 2019-03-18. Review status: criteria provided, single submitter. Criteria: Ambry Variant Classification Scheme 2023. Collection method: clinical testing. Allele origin: germline.

Genetic Services Laboratory, University of Chicago
Classification: Uncertain significance. Last evaluated: 2015-04-23. Review status: criteria provided, single submitter. Criteria: ACMG Guidelines, 2015. Collection method: clinical testing. Allele origin: germline.

NM_000276.4(OCRL):c.954C>T (p.Arg318=)

Gene: OCRL (OCRL inositol polyphosphate-5-phosphatase; plus strand). Cytogenetic location: Xq26.1.
Variant type: single nucleotide variant.
Coding change: c.954C>T on transcript NM_000276.4 (MANE Select); coding-DNA position 954, C replaced by T.
Protein change: p.Arg318=; no amino-acid change (arginine 318 retained).
Molecular consequence: synonymous variant.
Genome position (GRCh38, 1-based): chrX:129,562,398, C>T. VCF-style: chrX-129562398-C-T. GRCh37 (hg19) VCF-style: chrX-128696375-C-T.
Other names: c.957C>T, p.Arg319= (NM_001318784.2); c.954C>T, p.Arg318= (NM_001587.4).
Identifiers: ClinVar variation 211783 (VCV000211783.20), dbSNP rs149646700, ClinGen allele CA206830.